The following is an entry in ClinVar:

NM_172364.5(CACNA2D4):c.3296C>T (p.Ala1099Val)

Gene: CACNA2D4 (calcium voltage-gated channel auxiliary subunit alpha2delta 4; minus strand). Cytogenetic location: 12p13.33.
Variant type: single nucleotide variant.
Coding change: c.3296C>T on transcript NM_172364.5 (MANE Select); coding-DNA position 3296, C replaced by T.
Protein change: p.Ala1099Val; replaces alanine 1099 with valine.
Molecular consequence: missense variant.
Genome position (GRCh38, 1-based): chr12:1,795,312, G>A on the plus strand (C>T on the coding strand, the complement: CACNA2D4 is on the minus strand). VCF-style: chr12-1795312-G-A. GRCh37 (hg19) VCF-style: chr12-1904478-G-A.
Other names: c.3296C>T (NM_172364.4); short protein forms A1099V.
Identifiers: ClinVar variation 2200982 (VCV002200982.6), dbSNP rs746082332, ClinGen allele CA6385993.
Genomic context (GRCh38, chr12:1,795,312, plus strand): 5'-TTTGGGGATGAAAATCCAGCCCACCCTCGATCCGCCTCAACCCGCACCTCTGGATGGAAG[G>A]CGTGGCAGGAGTCTGGTCGCCGGCGGAGCTTCTGGGAGCGCATCCGGTCACATTTGACAG-3'
Protein context (NP_758952.4, residues 1089-1109): KLRRRPDSCH[Ala1099Val]FHPEENAQDC

ClinVar aggregate classification (germline): Uncertain significance. Review status: criteria provided, multiple submitters, no conflicts (2 of 4 stars). 3 submissions from 3 submitters: Uncertain significance (3). Last evaluated 2025-01-26.

Conditions:
Inborn genetic diseases. Identifiers: MedGen C0950123, MeSH D030342.

Allele frequency attached by ClinVar (database versions not stated): gnomAD 0.00001; gnomAD exomes 0.00001; TOPMed 0.00002; ExAC 0.00009.
gnomAD v4.1: 21 of 1,613,048 alleles (0.0013%); highest among the groups gnomAD compares: Admixed American, 0.027%; no homozygotes.

Submissions (3):

Ambry Genetics
Classification: Uncertain significance for Inborn genetic diseases. Last evaluated: 2025-01-26. Review status: criteria provided, single submitter. Criteria: Ambry Variant Classification Scheme 2023. Collection method: clinical testing. Allele origin: germline.

Labcorp Genetics (formerly Invitae), Labcorp
Classification: Uncertain significance. Last evaluated: 2025-01-15. Review status: criteria provided, single submitter. Criteria: Invitae Variant Classification Sherloc (09022015). Collection method: clinical testing. Allele origin: germline.
Comment: This sequence change replaces alanine, which is neutral and non-polar, with valine, which is neutral and non-polar, at codon 1099 of the CACNA2D4 protein (p.Ala1099Val). This variant is present in population databases (rs746082332, gnomAD 0.02%). This variant has not been reported in the literature in individuals affected with CACNA2D4-related conditions. ClinVar contains an entry for this variant (Variation ID: 2200982). An algorithm developed to predict the effect of missense changes on protein structure and function (PolyPhen-2) suggests that this variant is likely to be disruptive. In summary, the available evidence is currently insufficient to determine the role of this variant in disease. Therefore, it has been classified as a Variant of Uncertain Significance.

Blueprint Genetics
Classification: Uncertain significance. Last evaluated: 2020-03-13. Review status: criteria provided, single submitter. Criteria: ACMG Guidelines, 2015. Collection method: clinical testing. Allele origin: germline.